The following is an entry in ClinVar:

NM_001098.3(ACO2):c.1605+12C>T

Gene: ACO2 (aconitase 2; plus strand). Cytogenetic location: 22q13.2.
Variant type: single nucleotide variant.
Coding change: c.1605+12C>T on transcript NM_001098.3 (MANE Select); 12 bases into the intron after coding-DNA position 1605, C replaced by T.
Molecular consequence: intron variant.
Genome position (GRCh38, 1-based): chr22:41,524,980, C>T. VCF-style: chr22-41524980-C-T. GRCh37 (hg19) VCF-style: chr22-41920984-C-T.
Identifiers: ClinVar variation 377428 (VCV000377428.11), dbSNP rs188696280, ClinGen allele CA10257709.
Genomic context (GRCh38, chr22:41,524,980, plus strand): 5'-CAAGAAGTTCAGGCTGGAGGCTCCGGATGCAGATGAGCTTCCCAAAGGGGTGAGCGCCCA[C>T]GCCCCCTGCTTGCTGGTTGCTGTGTGGCCACGTCACTTCCTTCTCAACCTCACAGCACCT-3'

ClinVar aggregate classification (germline): Benign/Likely benign. Review status: criteria provided, multiple submitters, no conflicts (2 of 4 stars). 3 submissions from 3 submitters: Benign (2); Likely benign (1). Last evaluated 2026-01-28.

Allele frequency attached by ClinVar (database versions not stated): gnomAD exomes 0.00013 and 0.00034; ExAC 0.00040; ESP Exome Variant Server 0.00100; gnomAD 0.00117 and 0.00123; TOPMed 0.00144; 1000 Genomes Project 0.00180; 1000 Genomes Project 30x 0.00203.
gnomAD v4.1: 382 of 1,614,132 alleles (0.024%); highest among the groups gnomAD compares: African/African-American, 0.4%; no homozygotes.

Submissions (3):

Labcorp Genetics (formerly Invitae), Labcorp
Classification: Benign. Last evaluated: 2026-01-28. Review status: criteria provided, single submitter. Criteria: Invitae Variant Classification Sherloc (09022015). Collection method: clinical testing. Allele origin: germline.

Blueprint Genetics
Classification: Likely benign. Last evaluated: 2024-07-10. Review status: criteria provided, single submitter. Criteria: ACMG Guidelines, 2015. Collection method: clinical testing. Allele origin: germline.

GeneDx
Classification: Benign. Last evaluated: 2015-05-14. Review status: criteria provided, single submitter. Criteria: GeneDx Variant Classification (06012015). Collection method: clinical testing. Allele origin: germline. Affected: yes.
Comment: This variant is considered likely benign or benign based on one or more of the following criteria: it is a conservative change, it occurs at a poorly conserved position in the protein, it is predicted to be benign by multiple in silico algorithms, and/or has population frequency not consistent with disease.